The following is an entry in ClinVar:

ClinVar aggregate classification (germline): Likely benign (0 of 4 stars; one submission).

Conditions:
NF1-related disorder. Also called: NF1-related condition. Identifiers: MedGen CN379171.

Allele frequency attached by ClinVar (database versions not stated): ExAC 0.00007; TOPMed 0.00008; gnomAD 0.00010; 1000 Genomes Project 0.00060; 1000 Genomes Project 30x 0.00078.
gnomAD v4.1: 23 of 1,502,436 alleles (0.0015%); highest among the groups gnomAD compares: African/African-American, 0.031%; no homozygotes.

Submission:

PreventionGenetics, part of Exact Sciences
Classification: Likely benign for NF1-related condition. Last evaluated: 2023-05-04. Review status: no assertion criteria provided. Collection method: clinical testing. Allele origin: germline.
Comment: This variant is classified as likely benign based on ACMG/AMP sequence variant interpretation guidelines (Richards et al. 2015 PMID: 25741868, with internal and published modifications).

NM_001042492.3(NF1):c.1721+66T>A

Gene: NF1 (neurofibromin 1; plus strand). Cytogenetic location: 17q11.2.
Variant type: single nucleotide variant.
Coding change: c.1721+66T>A on transcript NM_001042492.3 (MANE Select); 66 bases into the intron after coding-DNA position 1721, T replaced by A.
Molecular consequence: intron variant. On other transcripts: 3 prime UTR variant (1).
Genome position (GRCh38, 1-based): chr17:31,221,995, T>A. VCF-style: chr17-31221995-T-A. GRCh37 (hg19) VCF-style: chr17-29549013-T-A.
Other names: c.*5T>A (NM_001128147.3); c.1721+66T>A (NM_000267.4).
Identifiers: ClinVar variation 3032666 (VCV003032666.2), dbSNP rs535449551, ClinGen allele CA8485833.